The following is an entry in ClinVar:

NM_001365276.2(TNXB):c.12210+5G>A

Genes: TNXB (tenascin XB; minus strand), LOC106780803 (tenascin XB recombination region; plus strand). Cytogenetic location: 6p21.33.
Variant type: single nucleotide variant.
Coding change: c.12210+5G>A on transcript NM_001365276.2 (MANE Select); 5 bases into the intron after coding-DNA position 12210, G replaced by A.
Molecular consequence: intron variant.
Genome position (GRCh38, 1-based): chr6:32,042,450, C>T on the plus strand (G>A on the coding strand, the complement: TNXB is on the minus strand). VCF-style: chr6-32042450-C-T. GRCh37 (hg19) VCF-style: chr6-32010227-C-T.
Other names: NC_000006.11:g.32010227C>T; c.12204+5G>A (NM_019105.8, NM_019105.6); c.1497+5G>A (NM_032470.4).
Identifiers: ClinVar variation 1210015 (VCV001210015.16), dbSNP rs4959085, ClinGen allele CA3732844.

ClinVar aggregate classification (germline): Conflicting classifications of pathogenicity. Review status: criteria provided, conflicting classifications (1 of 4 stars). 7 submissions from 7 submitters: Uncertain significance (1); Likely benign (3). 3 of the submissions do not count toward it. Last evaluated 2025-11-01.

Conditions:
TNXB-related disorder. Also called: TNXB-related condition.
Vesicoureteral reflux 8 (VUR8). Identifiers: Orphanet 289365, MedGen C4014831, MONDO:0014422, OMIM 615963.
Ehlers-Danlos syndrome due to tenascin-X deficiency (EDSCLL1). Also called: TNX DEFICIENCY; EHLERS-DANLOS SYNDROME, CLASSIC-LIKE; Ehlers-Danlos syndrome, classic-like, 1; TNXB-Related Classical-Like Ehlers-Danlos Syndrome; EDS DUE TO TNX DEFICIENCY. Identifiers: Orphanet 230839, MedGen C1848029, MONDO:0011670, OMIM 606408.

Allele frequency attached by ClinVar (database versions not stated): gnomAD 0.00011; 1000 Genomes Project 30x 0.00016; gnomAD exomes 0.00292; ExAC 0.00475.

Submissions (10):

CeGaT Center for Human Genetics Tuebingen
Classification: Likely benign. Last evaluated: 2025-11-01. Review status: criteria provided, single submitter. Criteria: CeGaT Center For Human Genetics Tuebingen Variant Classification Criteria Version 2. Collection method: clinical testing. Allele origin: germline. Affected: yes. Observed: 1 variant allele.
Comment: TNXB: PP3, BS1

Mayo Clinic Laboratories, Mayo Clinic
Classification: Uncertain significance. Last evaluated: 2025-09-05. Review status: criteria provided, single submitter. Criteria: ACMG Guidelines, 2015. Collection method: clinical testing. Allele origin: germline. Observed: 11 variant alleles.
Comment: PP3

Fulgent Genetics
Classification: Likely benign for Ehlers-Danlos syndrome due to tenascin-X deficiency; Vesicoureteral reflux 8. Last evaluated: 2021-09-01. Review status: criteria provided, single submitter. Criteria: ACMG Guidelines, 2015. Collection method: clinical testing. Allele origin: unknown.

GeneDx
Classification: Likely benign. Last evaluated: 2018-12-01. Review status: criteria provided, single submitter. Criteria: GeneDx Variant Classification Process June 2021. Collection method: clinical testing. Allele origin: germline. Affected: yes.

PreventionGenetics, part of Exact Sciences
Classification: Likely benign for TNXB-related condition. Last evaluated: 2024-05-31. Review status: no assertion criteria provided. Collection method: clinical testing. Allele origin: germline. Not counted in ClinVar's aggregate classification.
Comment: This variant is classified as likely benign based on ACMG/AMP sequence variant interpretation guidelines (Richards et al. 2015 PMID: 25741868, with internal and published modifications).

Dr. Peter K. Rogan Lab, Western University
No classification provided (evidence only). Condition: Cervical cancer. Review status: no classification provided. Collection method: in vitro. Allele origin: not applicable. Functional consequence: retained intron. Not counted in ClinVar's aggregate classification.

Dr. Peter K. Rogan Lab, Western University
No classification provided (evidence only). Condition: Hepatocellular carcinoma. Review status: no classification provided. Collection method: in vitro. Allele origin: not applicable. Functional consequence: retained intron. Not counted in ClinVar's aggregate classification.

Dr. Peter K. Rogan Lab, Western University
No classification provided (evidence only). Condition: Gastric cancer. Review status: no classification provided. Collection method: in vitro. Allele origin: not applicable. Functional consequence: retained intron. Not counted in ClinVar's aggregate classification.

Genome Diagnostics Laboratory, Amsterdam University Medical Center
Classification: Uncertain significance. Review status: no assertion criteria provided. Collection method: clinical testing. Allele origin: germline. Affected: yes. Study: VKGL Data-share Consensus. Not counted in ClinVar's aggregate classification.

Joint Genome Diagnostic Labs from Nijmegen and Maastricht, Radboudumc and MUMC+
Classification: Uncertain significance. Review status: no assertion criteria provided. Collection method: clinical testing. Allele origin: germline. Affected: yes. Study: VKGL Data-share Consensus. Not counted in ClinVar's aggregate classification.